The following is an entry in ClinVar:

NM_004369.4(COL6A3):c.1791C>T (p.Phe597=)

Gene: COL6A3 (collagen type VI alpha 3 chain; minus strand). Cytogenetic location: 2q37.3.
Variant type: single nucleotide variant.
Coding change: c.1791C>T on transcript NM_004369.4 (MANE Select); coding-DNA position 1791, C replaced by T.
Protein change: p.Phe597=; no amino-acid change (phenylalanine 597 retained).
Molecular consequence: synonymous variant.
Genome position (GRCh38, 1-based): chr2:237,381,021, G>A on the plus strand (C>T on the coding strand, the complement: COL6A3 is on the minus strand). VCF-style: chr2-237381021-G-A. GRCh37 (hg19) VCF-style: chr2-238289664-G-A.
Other names: p.Phe597=; c.570C>T, p.Phe190= (NM_057164.5, NM_057166.5); c.1173C>T, p.Phe391= (NM_057165.5, NM_057167.4).
Identifiers: ClinVar variation 235508 (VCV000235508.23), dbSNP rs76576170, ClinGen allele CA2189555.
Genomic context (GRCh38, chr2:237,381,021, plus strand): 5'-CAGCATGCCTTGCAATGGGGCGGCTCGGAACTCAGCTGGGATGAACACCAGGGAGGAGTC[G>A]AAAGCGATCTCTTCCAGCTCAGCCTGATCGGCACCCTTGTTCCCAATGGCAAAGGCCATT-3'
Protein context (NP_004360.2, residues 587-607): ADQAELEEIA[Phe597=]DSSLVFIPAE

ClinVar aggregate classification (germline): Benign/Likely benign. Review status: criteria provided, multiple submitters, no conflicts (2 of 4 stars). 8 submissions from 8 submitters: Benign (6); Likely benign (1). 1 of the submissions does not count toward it. Last evaluated 2026-01-27.

Conditions:
COL6A3-related disorder. Also called: COL6A3-related disorders; COL6A3-related condition.
Collagen 6-related myopathy. Identifiers: MedGen CN117976, MONDO:0100225.
Bethlem myopathy 1A. Also called: MYOPATHY, BENIGN CONGENITAL, WITH CONTRACTURES; Bethlem Muscular Dystrophy; Bethlem myopathy 1. Identifiers: Orphanet 610, MedGen CN029274, MONDO:0024530, OMIM 158810.

Allele frequency attached by ClinVar (database versions not stated): gnomAD 0.00714; TOPMed 0.00786; ESP Exome Variant Server 0.00815; 1000 Genomes Project 0.00998; 1000 Genomes Project 30x 0.01093.
gnomAD v4.1: 2,383 of 1,614,192 alleles (0.15%); highest among the groups gnomAD compares: African/African-American, 2.6%; 31 homozygotes.

Submissions (8):

Labcorp Genetics (formerly Invitae), Labcorp
Classification: Benign for Bethlem myopathy 1A. Last evaluated: 2026-01-27. Review status: criteria provided, single submitter. Criteria: Invitae Variant Classification Sherloc (09022015). Collection method: clinical testing. Allele origin: germline.

Athena Diagnostics
Classification: Benign. Last evaluated: 2025-08-28. Review status: criteria provided, single submitter. Criteria: Athena Diagnostics Criteria. Collection method: clinical testing. Allele origin: unknown.
Comment: The frequency of this variant in the general population is higher than would generally be expected for pathogenic variants in this gene.

Mayo Clinic Laboratories, Mayo Clinic
Classification: Benign. Last evaluated: 2018-05-24. Review status: criteria provided, single submitter. Criteria: ACMG Guidelines, 2015. Collection method: clinical testing. Allele origin: germline. Observed: 5 variant alleles.

Illumina Laboratory Services, Illumina
Classification: Benign for Collagen VI-related myopathy. Last evaluated: 2018-01-13. Review status: criteria provided, single submitter. Criteria: ICSL Variant Classification Criteria 13 December 2019. Collection method: clinical testing. Allele origin: germline.
Comment: This variant was observed in the ICSL laboratory as part of a predisposition screen in an ostensibly healthy population. It had not been previously curated by ICSL or reported in the Human Gene Mutation Database (HGMD: prior to June 1st, 2018), and was therefore a candidate for classification through an automated scoring system. Utilizing variant allele frequency, disease prevalence and penetrance estimates, and inheritance mode, an automated score was calculated to assess if this variant is too frequent to cause the disease. Based on the score and internal cut-off values, a variant classified as benign is not then subjected to further curation. The score for this variant resulted in a classification of benign for this disease.

GeneDx
Classification: Benign. Last evaluated: 2017-03-21. Review status: criteria provided, single submitter. Criteria: GeneDx Variant Classification (06012015). Collection method: clinical testing. Allele origin: germline. Affected: yes.
Comment: This variant is considered likely benign or benign based on one or more of the following criteria: it is a conservative change, it occurs at a poorly conserved position in the protein, it is predicted to be benign by multiple in silico algorithms, and/or has population frequency not consistent with disease.

Center for Pediatric Genomic Medicine, Children's Mercy Hospital and Clinics
Classification: Benign. Last evaluated: 2015-06-04. Review status: criteria provided, single submitter. Criteria: ACMG Guidelines, 2015. Collection method: clinical testing. Allele origin: germline.

Breakthrough Genomics
Classification: Likely benign. Review status: criteria provided, single submitter. Criteria: ACMG Guidelines, 2015. Collection method: not provided. Allele origin: germline. Inheritance: Autosomal recessive inheritance. Affected: yes.

PreventionGenetics, part of Exact Sciences
Classification: Benign for COL6A3-related condition. Last evaluated: 2019-02-18. Review status: no assertion criteria provided. Collection method: clinical testing. Allele origin: germline. Not counted in ClinVar's aggregate classification.
Comment: This variant is classified as benign based on ACMG/AMP sequence variant interpretation guidelines (Richards et al. 2015 PMID: 25741868, with internal and published modifications).